The following is an entry in ClinVar:

ClinVar aggregate classification (germline): Conflicting classifications of pathogenicity. Review status: criteria provided, conflicting classifications (1 of 4 stars). 2 submissions from 2 submitters: Uncertain significance (1); Likely benign (1). Last evaluated 2023-03-23.

Conditions:
Hereditary breast ovarian cancer syndrome. Also called: Hereditary breast and ovarian cancer syndrome; BRCA1- and BRCA2-Associated Hereditary Breast and Ovarian Cancer; Hereditary breast and/or ovarian cancer syndrome; Hereditary breast and ovarian cancer; Hereditary breast and ovarian cancer syndrome (HBOC); Breast and ovarian cancer. Identifiers: Orphanet 145, MedGen C0677776, MeSH D061325, MONDO:0003582. Disease mechanism: loss of function.
Hereditary cancer-predisposing syndrome. Also called: Neoplastic Syndromes, Hereditary; Hereditary Cancer Syndrome; Tumor predisposition; Hereditary neoplastic syndrome. Identifiers: Orphanet 140162, MedGen C0027672, MeSH D009386, MONDO:0015356.

Allele frequency attached by ClinVar (database versions not stated): gnomAD exomes below 0.00001.
gnomAD v4.1: 5 of 1,609,652 alleles (0.00031%); highest among the groups gnomAD compares: Non-Finnish European, 0.00042%; no homozygotes.

Submissions (2):

University of Washington Department of Laboratory Medicine, University of Washington
Classification: Likely benign for Hereditary cancer-predisposing syndrome. Last evaluated: 2023-03-23. Review status: criteria provided, single submitter. Criteria: Dines et al. (Genet Med. 2020). Collection method: curation. Allele origin: germline.
Comment: Missense variant in a coldspot region where missense variants are very unlikely to be pathogenic (PMID:31911673).

BRCA2 exon 11 coldspot. Reclassification based on statistical prior probability.

Labcorp Genetics (formerly Invitae), Labcorp
Classification: Uncertain significance for Hereditary breast ovarian cancer syndrome. Last evaluated: 2019-12-19. Review status: criteria provided, single submitter. Criteria: Invitae Variant Classification Sherloc (09022015). Collection method: clinical testing. Allele origin: germline.
Comment: This sequence change replaces threonine with alanine at codon 1378 of the BRCA2 protein (p.Thr1378Ala). The threonine residue is weakly conserved and there is a small physicochemical difference between threonine and alanine. In summary, the available evidence is currently insufficient to determine the role of this variant in disease. Therefore, it has been classified as a Variant of Uncertain Significance. Algorithms developed to predict the effect of missense changes on protein structure and function are either unavailable or do not agree on the potential impact of this missense change (SIFT: "Tolerated"; PolyPhen-2: "Possibly Damaging"; Align-GVGD: "Class C0"). This variant has not been reported in the literature in individuals with BRCA2-related conditions. This variant is not present in population databases (ExAC no frequency).

NM_000059.4(BRCA2):c.4132A>G (p.Thr1378Ala)

Gene: BRCA2 (BRCA2 DNA repair associated; plus strand). Cytogenetic location: 13q13.1.
Variant type: single nucleotide variant.
Coding change: c.4132A>G on transcript NM_000059.4 (MANE Select); coding-DNA position 4132, A replaced by G.
Protein change: p.Thr1378Ala; replaces threonine 1378 with alanine.
Molecular consequence: missense variant.
Genome position (GRCh38, 1-based): chr13:32,338,487, A>G. VCF-style: chr13-32338487-A-G. GRCh37 (hg19) VCF-style: chr13-32912624-A-G.
Other names: short protein forms T1378A.
Identifiers: ClinVar variation 852177 (VCV000852177.14), dbSNP rs1204269313, ClinGen allele CA387779380.